The following is an entry in ClinVar:

ClinVar aggregate classification (germline): Uncertain significance. Review status: criteria provided, multiple submitters, no conflicts (2 of 4 stars). 2 submissions from 2 submitters: Uncertain significance (2). Last evaluated 2025-01-07.

Conditions:
Hereditary cancer-predisposing syndrome. Also called: Neoplastic Syndromes, Hereditary; Hereditary Cancer Syndrome; Tumor predisposition; Hereditary neoplastic syndrome. Identifiers: Orphanet 140162, MedGen C0027672, MeSH D009386, MONDO:0015356.
Familial adenomatous polyposis 1 (FAP1). Also called: FAMILIAL ADENOMATOUS POLYPOSIS 1, ATTENUATED; POLYPOSIS, ADENOMATOUS INTESTINAL. Identifiers: MedGen C2713442, MONDO:0021056, OMIM 175100. Disease mechanism: loss of function.

Submissions (2):

Labcorp Genetics (formerly Invitae), Labcorp
Classification: Uncertain significance for Familial adenomatous polyposis 1. Last evaluated: 2025-01-07. Review status: criteria provided, single submitter. Criteria: Invitae Variant Classification Sherloc (09022015). Collection method: clinical testing. Allele origin: germline.
Comment: This sequence change replaces aspartic acid, which is acidic and polar, with glycine, which is neutral and non-polar, at codon 962 of the APC protein (p.Asp962Gly). This variant is not present in population databases (gnomAD no frequency). This variant has not been reported in the literature in individuals affected with APC-related conditions. ClinVar contains an entry for this variant (Variation ID: 1377137). Invitae Evidence Modeling of protein sequence and biophysical properties (such as structural, functional, and spatial information, amino acid conservation, physicochemical variation, residue mobility, and thermodynamic stability) has been performed for this missense variant. However, the output from this modeling did not meet the statistical confidence thresholds required to predict the impact of this variant on APC protein function. In summary, the available evidence is currently insufficient to determine the role of this variant in disease. Therefore, it has been classified as a Variant of Uncertain Significance.

Ambry Genetics
Classification: Uncertain significance for Hereditary cancer-predisposing syndrome. Last evaluated: 2024-05-22. Review status: criteria provided, single submitter. Criteria: Ambry Variant Classification Scheme 2023. Collection method: clinical testing. Allele origin: germline.
Comment: The p.D962G variant (also known as c.2885A>G), located in coding exon 15 of the APC gene, results from an A to G substitution at nucleotide position 2885. The aspartic acid at codon 962 is replaced by glycine, an amino acid with similar properties. This amino acid position is conserved. In addition, in silico predictors for this gene do not accurately predict pathogenicity. Based on the available evidence, the clinical significance of this variant remains unclear.

NM_000038.6(APC):c.2885A>G (p.Asp962Gly)

Gene: APC (APC regulator of Wnt signaling pathway; plus strand). Cytogenetic location: 5q22.2.
Variant type: single nucleotide variant.
Coding change: c.2885A>G on transcript NM_000038.6 (MANE Select); coding-DNA position 2885, A replaced by G.
Protein change: p.Asp962Gly; replaces aspartic acid 962 with glycine.
Molecular consequence: missense variant.
Genome position (GRCh38, 1-based): chr5:112,838,479, A>G. VCF-style: chr5-112838479-A-G. GRCh37 (hg19) VCF-style: chr5-112174176-A-G.
Other names: c.2885A>G (NM_000038.5); c.2885A>G, p.Asp962Gly (NM_001127510.3, NM_001354895.2); c.2831A>G, p.Asp944Gly (NM_001127511.3); c.2939A>G, p.Asp980Gly (NM_001354896.2); c.2915A>G, p.Asp972Gly (NM_001354897.2); c.2810A>G, p.Asp937Gly (NM_001354898.2); c.2801A>G, p.Asp934Gly (NM_001354899.2); c.2762A>G, p.Asp921Gly (NM_001354900.2); and 6 more; short protein forms D903G, D937G, D921G, D944G, D679G, D802G, D934G, D972G.
Identifiers: ClinVar variation 1377137 (VCV001377137.7), dbSNP rs2149879454, ClinGen allele CA16027626.
Genomic context (GRCh38, chr5:112,838,479, plus strand): 5'-ATTCAAATAGGACATGTTCTATGCCTTATGCCAAATTAGAATACAAGAGATCTTCAAATG[A>G]TAGTTTAAATAGTGTCAGTAGTAGTGATGGTTATGGTAAAAGAGGTCAAATGAAACCCTC-3'
Protein context (NP_000029.2, residues 952-972): AKLEYKRSSN[Asp962Gly]SLNSVSSSDG